The following is an entry in ClinVar:

ClinVar aggregate classification (germline): Uncertain significance (1 of 4 stars; one submission).

Conditions:
Familial thoracic aortic aneurysm and aortic dissection (TAAD). Also called: Thoracic aortic aneurysms and dissections. Identifiers: Orphanet 91387, MedGen C4707243, MONDO:0019625.

Submission:

Color Diagnostics, LLC DBA Color Health
Classification: Uncertain significance for Familial thoracic aortic aneurysm and aortic dissection. Last evaluated: 2024-01-28. Review status: criteria provided, single submitter. Criteria: ACMG Guidelines, 2015. Collection method: clinical testing. Allele origin: germline.
Comment: This missense variant replaces glutamic acid with lysine at codon 1216 of the FBN1 protein. Computational prediction suggests that this variant may have deleterious impact on protein structure and function (internally defined REVEL score threshold >= 0.7, PMID: 27666373). To our knowledge, functional studies have not been reported for this variant. This variant has not been reported in individuals affected with FBN1-related disorders in the literature. This variant has not been identified in the general population by the Genome Aggregation Database (gnomAD). The available evidence is insufficient to determine the role of this variant in disease conclusively. Therefore, this variant is classified as a Variant of Uncertain Significance.

NM_000138.5(FBN1):c.3646G>A (p.Glu1216Lys)

Gene: FBN1 (fibrillin 1; minus strand). Cytogenetic location: 15q21.1.
Variant type: single nucleotide variant.
Coding change: c.3646G>A on transcript NM_000138.5 (MANE Select); coding-DNA position 3646, G replaced by A.
Protein change: p.Glu1216Lys; replaces glutamic acid 1216 with lysine.
Molecular consequence: missense variant.
Genome position (GRCh38, 1-based): chr15:48,485,440, C>T on the plus strand (G>A on the coding strand, the complement: FBN1 is on the minus strand). VCF-style: chr15-48485440-C-T. GRCh37 (hg19) VCF-style: chr15-48777637-C-T.
Other names: c.3646G>A, p.Glu1216Lys (NM_001406716.1); short protein forms E1216K.
Identifiers: ClinVar variation 3894505 (VCV003894505.1).